The following is an entry in ClinVar:

ClinVar aggregate classification (germline): Uncertain significance (1 of 4 stars; one submission).

Conditions:
Malignant hyperthermia, susceptibility to, 5 (MHS5). Also called: CACNA1S-Related Malignant Hyperthermia Susceptibility. Identifiers: Orphanet 423, MedGen C1866077, MONDO:0011163, OMIM 601887.

Allele frequency attached by ClinVar (database versions not stated): gnomAD 0.00001.
gnomAD v4.1: 1 of 1,614,078 alleles (0.000062%); highest among the groups gnomAD compares: Non-Finnish European, 0.000085%; no homozygotes.

Submission:

All of Us Research Program, National Institutes of Health
Classification: Uncertain significance for Malignant hyperthermia, susceptibility to, 5. Last evaluated: 2023-10-06. Review status: criteria provided, single submitter. Criteria: ACMG Guidelines, 2015. Collection method: clinical testing. Allele origin: germline. Inheritance: Autosomal dominant inheritance. Observed: 1 variant allele, 1 heterozygote.
Comment: This missense variant replaces methionine with isoleucine at codon 870 of the CACNA1S protein. Computational prediction suggests that this variant may not impact protein structure and function (internally defined REVEL score threshold <= 0.5, PMID: 27666373). To our knowledge, functional studies have not been reported for this variant. This variant has not been reported in individuals affected with CACNA1S-related disorders in the literature. This variant has been identified in 1/31396 chromosomes in the general population by the Genome Aggregation Database (gnomAD). The available evidence is insufficient to determine the role of this variant in disease conclusively. Therefore, this variant is classified as a Variant of Uncertain Significance.

This study involves interpretation of variants in research participants for the purpose of population health screening. Participant phenotype was not available at the time of variant classification. Additional details can be found in publication PMID: 35346344, PMCID: PMC8962531

NM_000069.3(CACNA1S):c.2610G>T (p.Met870Ile)

Gene: CACNA1S (calcium voltage-gated channel subunit alpha1 S; minus strand). Cytogenetic location: 1q32.1.
Variant type: single nucleotide variant.
Coding change: c.2610G>T on transcript NM_000069.3 (MANE Select); coding-DNA position 2610, G replaced by T.
Protein change: p.Met870Ile; replaces methionine 870 with isoleucine.
Molecular consequence: missense variant.
Genome position (GRCh38, 1-based): chr1:201,066,934, C>A on the plus strand (G>T on the coding strand, the complement: CACNA1S is on the minus strand). VCF-style: chr1-201066934-C-A. GRCh37 (hg19) VCF-style: chr1-201036062-C-A.
Other names: short protein forms M870I.
Identifiers: ClinVar variation 3073709 (VCV003073709.1), dbSNP rs1163245571, ClinGen allele CA344103933.